The following is an entry in ClinVar:

ClinVar aggregate classification (germline): Pathogenic (1 of 4 stars; one submission).

Conditions:
Polycystic kidney disease 4 (PKD4). Also called: POLYCYSTIC KIDNEY AND HEPATIC DISEASE 1; POLYCYSTIC KIDNEY DISEASE, INFANTILE, TYPE I; POLYCYSTIC KIDNEY DISEASE 4 WITH OR WITHOUT POLYCYSTIC LIVER DISEASE; PKD3; Autosomal Recessive Polycystic Kidney Disease – PKHD1. Identifiers: MedGen C4540575, MONDO:0033004, OMIM 263200.

Submission:

Myriad Genetics, Inc.
Classification: Pathogenic for Polycystic kidney disease 4. Last evaluated: 2023-08-10. Review status: criteria provided, single submitter. Criteria: Myriad Autosomal Dominant, Autosomal Recessive and X-Linked Classification Criteria (2023). Collection method: clinical testing. Allele origin: unknown.
Comment: NM_138694.3(PKHD1):c.11419C>T(Q3807*) is expected to be pathogenic in the context of autosomal recessive polycystic kidney disease, PKHD1-related. This variant is predicted to lead to an abnormal or absent protein product due to the creation of a premature termination codon in PKHD1, a gene where loss-of-function variants are known to be pathogenic. Please note: this variant was assessed in the context of healthy population screening.

NM_138694.4(PKHD1):c.11419C>T (p.Gln3807Ter)

Gene: PKHD1 (PKHD1 ciliary IPT domain containing fibrocystin/polyductin; minus strand). Cytogenetic location: 6p12.3.
Variant type: single nucleotide variant.
Coding change: c.11419C>T on transcript NM_138694.4 (MANE Select); coding-DNA position 11419, C replaced by T.
Protein change: p.Gln3807Ter; replaces glutamine 3807 with a stop codon.
Molecular consequence: nonsense.
Genome position (GRCh38, 1-based): chr6:51,638,936, G>A on the plus strand (C>T on the coding strand, the complement: PKHD1 is on the minus strand). VCF-style: chr6-51638936-G-A. GRCh37 (hg19) VCF-style: chr6-51503734-G-A.
Other names: short protein forms Q3807*.
Identifiers: ClinVar variation 5013577 (VCV005013577.1).
Genomic context (GRCh38, chr6:51,638,936, plus strand): 5'-AGTGCCAGTTTGACCCAGAGATCAAGACTGCCAAGTTGTAGAAGCTAACATAACCATCTT[G>A]AGTTTCTGCCTGGGTGCACCCTACAAAAAAGTACAAAACAAAAATTAGCTGTTTATTATC-3'